The following is an entry in ClinVar:

NM_002439.5(MSH3):c.2777A>G (p.Glu926Gly)

Gene: MSH3 (mutS homolog 3; plus strand). Cytogenetic location: 5q14.1.
Variant type: single nucleotide variant.
Coding change: c.2777A>G on transcript NM_002439.5 (MANE Select); coding-DNA position 2777, A replaced by G.
Protein change: p.Glu926Gly; replaces glutamic acid 926 with glycine.
Molecular consequence: missense variant.
Genome position (GRCh38, 1-based): chr5:80,813,705, A>G. VCF-style: chr5-80813705-A-G. GRCh37 (hg19) VCF-style: chr5-80109524-A-G.
Other names: short protein forms E926G.
Identifiers: ClinVar variation 855454 (VCV000855454.9), dbSNP rs1580066566, ClinGen allele CA360274055.

ClinVar aggregate classification (germline): Uncertain significance (1 of 4 stars; one submission).

Submission:

Labcorp Genetics (formerly Invitae), Labcorp
Classification: Uncertain significance. Last evaluated: 2019-12-02. Review status: criteria provided, single submitter. Criteria: Invitae Variant Classification Sherloc (09022015). Collection method: clinical testing. Allele origin: germline.
Comment: This sequence change replaces glutamic acid with glycine at codon 926 of the MSH3 protein (p.Glu926Gly). The glutamic acid residue is moderately conserved and there is a moderate physicochemical difference between glutamic acid and glycine. This variant is not present in population databases (ExAC no frequency). In summary, the available evidence is currently insufficient to determine the role of this variant in disease. Therefore, it has been classified as a Variant of Uncertain Significance. Algorithms developed to predict the effect of missense changes on protein structure and function are either unavailable or do not agree on the potential impact of this missense change (SIFT: "Deleterious"; PolyPhen-2: "Possibly Damaging"; Align-GVGD: "Class C0"). This variant has not been reported in the literature in individuals with MSH3-related conditions.